The following is an entry in ClinVar:

ClinVar aggregate classification (germline): Uncertain significance (1 of 4 stars; one submission).

Allele frequency attached by ClinVar (database versions not stated): gnomAD exomes 0.00001 and 0.00002; TOPMed 0.00001; ExAC 0.00002; gnomAD 0.00002.
gnomAD v4.1: 29 of 1,613,578 alleles (0.0018%); highest among the groups gnomAD compares: African/African-American, 0.0027%; no homozygotes.

Submission:

Labcorp Genetics (formerly Invitae), Labcorp
Classification: Uncertain significance. Last evaluated: 2022-07-10. Review status: criteria provided, single submitter. Criteria: Invitae Variant Classification Sherloc (09022015). Collection method: clinical testing. Allele origin: germline.
Comment: This sequence change replaces aspartic acid, which is acidic and polar, with glutamic acid, which is acidic and polar, at codon 2218 of the SZT2 protein (p.Asp2218Glu). This variant is present in population databases (rs757157723, gnomAD 0.007%). This variant has not been reported in the literature in individuals affected with SZT2-related conditions. ClinVar contains an entry for this variant (Variation ID: 1018334). Algorithms developed to predict the effect of missense changes on protein structure and function are either unavailable or do not agree on the potential impact of this missense change (SIFT: "Tolerated"; PolyPhen-2: "Probably Damaging"; Align-GVGD: "Class C0"). In summary, the available evidence is currently insufficient to determine the role of this variant in disease. Therefore, it has been classified as a Variant of Uncertain Significance.

NM_001365999.1(SZT2):c.6825C>G (p.Asp2275Glu)

Gene: SZT2 (SZT2 subunit of KICSTOR complex; plus strand). Cytogenetic location: 1p34.2.
Variant type: single nucleotide variant.
Coding change: c.6825C>G on transcript NM_001365999.1 (MANE Select); coding-DNA position 6825, C replaced by G.
Protein change: p.Asp2275Glu; replaces aspartic acid 2275 with glutamic acid.
Molecular consequence: missense variant.
Genome position (GRCh38, 1-based): chr1:43,439,390, C>G. VCF-style: chr1-43439390-C-G. GRCh37 (hg19) VCF-style: chr1-43905061-C-G.
Other names: c.6654C>G, p.Asp2218Glu (NM_015284.4); short protein forms D2218E, D2275E.
Identifiers: ClinVar variation 1018334 (VCV001018334.6), dbSNP rs757157723, ClinGen allele CA810032.